The following is an entry in ClinVar:

ClinVar aggregate classification (germline): Uncertain significance (1 of 4 stars; one submission).

Submission:

GeneDx
Classification: Uncertain significance. Last evaluated: 2023-05-01. Review status: criteria provided, single submitter. Criteria: GeneDx Variant Classification Process June 2021. Collection method: clinical testing. Allele origin: germline. Affected: yes.
Comment: Not observed at significant frequency in large population cohorts (gnomAD); In silico analysis supports that this missense variant has a deleterious effect on protein structure/function; Has not been previously published as pathogenic or benign to our knowledge; Variants in candidate genes are classified as variants of uncertain significance in accordance with ACMG guidelines (Richards et al., 2015)

NM_001377229.1(DISP1):c.619G>C (p.Gly207Arg)

Gene: DISP1 (dispatched RND transporter family member 1; plus strand). Cytogenetic location: 1q41.
Variant type: single nucleotide variant.
Coding change: c.619G>C on transcript NM_001377229.1 (MANE Select); coding-DNA position 619, G replaced by C.
Protein change: p.Gly207Arg; replaces glycine 207 with arginine.
Molecular consequence: missense variant. On other transcripts: 5 prime UTR variant (1).
Genome position (GRCh38, 1-based): chr1:222,990,704, G>C. VCF-style: chr1-222990704-G-C. GRCh37 (hg19) VCF-style: chr1-223164046-G-C.
Other names: c.-269G>C (NM_001350630.2); c.619G>C, p.Gly207Arg (NM_001369594.1, NM_001377228.1, NM_032890.5); short protein forms G207R.
Identifiers: ClinVar variation 426201 (VCV000426201.3), dbSNP rs771344437, ClinGen allele CA344677013.